The following is an entry in ClinVar:

ClinVar aggregate classification (germline): Uncertain significance (1 of 4 stars; one submission).

Conditions:
Hereditary cancer-predisposing syndrome. Also called: Tumor predisposition; Hereditary Cancer Syndrome; Hereditary neoplastic syndrome; Neoplastic Syndromes, Hereditary. Identifiers: Orphanet 140162, MedGen C0027672, MeSH D009386, MONDO:0015356.

gnomAD v4.1: 1 of 1,610,250 alleles (0.000062%); highest among the groups gnomAD compares: Non-Finnish European, 0.000085%; no homozygotes.

Submission:

Ambry Genetics
Classification: Uncertain significance for Hereditary cancer-predisposing syndrome. Last evaluated: 2026-02-02. Review status: criteria provided, single submitter. Criteria: Ambry Variant Classification Scheme 2023. Collection method: clinical testing. Allele origin: germline.
Comment: The c.203-3C>A intronic variant results from a C to A substitution 3 nucleotides upstream from coding exon 2 in the POLD1 gene. This nucleotide position is well conserved in available vertebrate species. In silico splice site analysis predicts that this alteration will not have any significant effect on splicing. Based on the available evidence, the clinical significance of this variant remains unclear.

NM_002691.4(POLD1):c.203-3C>A

Gene: POLD1 (DNA polymerase delta 1, catalytic subunit; plus strand). Cytogenetic location: 19q13.33.
Variant type: single nucleotide variant.
Coding change: c.203-3C>A on transcript NM_002691.4 (MANE Select); 3 bases into the intron before coding-DNA position 203, C replaced by A.
Molecular consequence: intron variant.
Genome position (GRCh38, 1-based): chr19:50,399,368, C>A. VCF-style: chr19-50399368-C-A. GRCh37 (hg19) VCF-style: chr19-50902625-C-A.
Other names: c.203-3C>A (NM_001256849.1, NM_001308632.1).
Identifiers: ClinVar variation 1784786 (VCV001784786.3), dbSNP rs2038495945, ClinGen allele CA2580097612.